The following is an entry in ClinVar:

NM_004385.5(VCAN):c.7129A>G (p.Ile2377Val)

Genes: VCAN (versican; plus strand), VCAN-AS1 (VCAN antisense RNA 1; minus strand). Cytogenetic location: 5q14.3.
Variant type: single nucleotide variant.
Coding change: c.7129A>G on transcript NM_004385.5 (MANE Select); coding-DNA position 7129, A replaced by G.
Protein change: p.Ile2377Val; replaces isoleucine 2377 with valine.
Molecular consequence: missense variant. On other transcripts: intron variant (2).
Genome position (GRCh38, 1-based): chr5:83,540,132, A>G. VCF-style: chr5-83540132-A-G. GRCh37 (hg19) VCF-style: chr5-82835951-A-G.
Other names: c.4168A>G, p.Ile1390Val (NM_001164097.2); c.4004-5405A>G (NM_001164098.2); c.1043-5405A>G (NM_001126336.3); c.7129A>G (NM_004385.4); short protein forms I1390V, I2377V.
Identifiers: ClinVar variation 1058694 (VCV001058694.9), dbSNP rs201280939, ClinGen allele CA3333587.

ClinVar aggregate classification (germline): Conflicting classifications of pathogenicity. Review status: criteria provided, conflicting classifications (1 of 4 stars). 3 submissions from 3 submitters: Uncertain significance (2); Likely benign (1). Last evaluated 2025-06-22.

Conditions:
Inborn genetic diseases. Identifiers: MedGen C0950123, MeSH D030342.

Allele frequency attached by ClinVar (database versions not stated): gnomAD 0.00005 and 0.00006; TOPMed 0.00006; ExAC 0.00008; ESP Exome Variant Server 0.00008; gnomAD exomes 0.00008.
gnomAD v4.1: 162 of 1,613,870 alleles (0.01%); highest among the groups gnomAD compares: Non-Finnish European, 0.013%; no homozygotes.

Submissions (3):

Ambry Genetics
Classification: Uncertain significance for Inborn genetic diseases. Last evaluated: 2025-06-22. Review status: criteria provided, single submitter. Criteria: Ambry Variant Classification Scheme 2023. Collection method: clinical testing. Allele origin: germline.

Blueprint Genetics
Classification: Likely benign. Last evaluated: 2024-11-18. Review status: criteria provided, single submitter. Criteria: ACMG Guidelines, 2015. Collection method: clinical testing. Allele origin: germline.

Labcorp Genetics (formerly Invitae), Labcorp
Classification: Uncertain significance. Last evaluated: 2024-06-17. Review status: criteria provided, single submitter. Criteria: Invitae Variant Classification Sherloc (09022015). Collection method: clinical testing. Allele origin: germline.
Comment: This sequence change replaces isoleucine, which is neutral and non-polar, with valine, which is neutral and non-polar, at codon 2377 of the VCAN protein (p.Ile2377Val). This variant is present in population databases (rs201280939, gnomAD 0.02%). This variant has not been reported in the literature in individuals affected with VCAN-related conditions. Algorithms developed to predict the effect of missense changes on protein structure and function output the following: SIFT: "Not Available"; PolyPhen-2: "Benign"; Align-GVGD: "Not Available". The valine amino acid residue is found in multiple mammalian species, which suggests that this missense change does not adversely affect protein function. In summary, the available evidence is currently insufficient to determine the role of this variant in disease. Therefore, it has been classified as a Variant of Uncertain Significance.